The following is an entry in ClinVar:

NM_004304.4(ALK):c.788delG

Gene: ALK (ALK receptor tyrosine kinase; minus strand). Cytogenetic location: 2p23.2.
Variant type: Deletion.
Coding change: c.788delG on transcript NM_004304.4; coding-DNA position 788, one base deleted (G).
Genome position (GRCh38, 1-based): chr2:29,695,014, C deleted on the plus strand (G on the coding strand, the reverse complement: ALK is on the minus strand); the first of 2 consecutive C bases (chr2:29,695,014-29,695,015); deleting either gives the same sequence. VCF-style (leftmost placement, unchanged base first): chr2-29695013-AC-A. GRCh37 (hg19) VCF-style: chr2-29917879-AC-A.
Identifiers: ClinVar variation 2174295 (VCV002174295.5), dbSNP rs768588824, ClinGen allele CA1594848.

ClinVar aggregate classification (germline): Uncertain significance. Review status: criteria provided, multiple submitters, no conflicts (2 of 4 stars). 2 submissions from 2 submitters: Uncertain significance (2). Last evaluated 2025-05-07.

Conditions:
Neuroblastoma, susceptibility to, 3. Also called: ALK-Related Neuroblastic Tumor Susceptibility. Identifiers: Orphanet 635, MedGen C2751681, MONDO:0013083, OMIM 613014.
Hereditary cancer-predisposing syndrome. Also called: Tumor predisposition; Hereditary Cancer Syndrome; Hereditary neoplastic syndrome; Neoplastic Syndromes, Hereditary. Identifiers: Orphanet 140162, MedGen C0027672, MeSH D009386, MONDO:0015356.

Submissions (2):

Ambry Genetics
Classification: Uncertain significance for Hereditary cancer-predisposing syndrome. Last evaluated: 2025-05-07. Review status: criteria provided, single submitter. Criteria: Ambry Variant Classification Scheme 2023. Collection method: clinical testing. Allele origin: germline.
Comment: The c.788delG variant, located in coding exon 3 of the ALK gene, results from a deletion of one nucleotide at nucleotide position 788, causing a translational frameshift with a predicted alternate stop codon (p.G263Vfs*72). This alteration has been reported in a lung squamous cell carcinoma cancer patient from a cohort of 4034 cancer cases from The Cancer Genome Atlas (Lu C et al. Nat Commun, 2015 Dec;6:10086). This alteration is expected to result in protein truncation or nonsense-mediated mRNA decay. However, loss of function of ALK has not been established as a mechanism of disease. Based on the available evidence, the clinical significance of this alteration remains unclear.

Labcorp Genetics (formerly Invitae), Labcorp
Classification: Uncertain significance for Neuroblastoma, susceptibility to, 3. Last evaluated: 2022-08-23. Review status: criteria provided, single submitter. Criteria: Invitae Variant Classification Sherloc (09022015). Collection method: clinical testing. Allele origin: germline.
Comment: In summary, the available evidence is currently insufficient to determine the role of this variant in disease. Therefore, it has been classified as a Variant of Uncertain Significance. Algorithms developed to predict the effect of sequence changes on RNA splicing suggest that this variant may disrupt the consensus splice site. This premature translational stop signal has been observed in individual(s) with lung squamous cell carcinoma (PMID: 26689913). This variant is present in population databases (rs768588824, gnomAD 0.0009%). This sequence change creates a premature translational stop signal (p.Gly263Valfs*72) in the ALK gene. It is expected to result in an absent or disrupted protein product. However, the current clinical and genetic evidence is not sufficient to establish whether loss-of-function variants in ALK cause disease.

Literature cited by the submitters: PubMed 26689913 (cited by Ambry Genetics and Labcorp Genetics (formerly Invitae), Labcorp).